The following is an entry in ClinVar:

ClinVar aggregate classification (germline): Likely pathogenic (1 of 4 stars; one submission).

Conditions:
Sensory ataxic neuropathy, dysarthria, and ophthalmoparesis (SANDO). Also called: SENSORY ATAXIC NEUROPATHY WITH MITOCHONDRIAL DNA DELETIONS, AUTOSOMAL RECESSIVE; Epilepsy, progressive myoclonic, type 5; Sensory ataxic neuropathy-dysarthria-ophthalmoparesis syndrome; Ataxia Neuropathy Spectrum (ANS). Identifiers: Orphanet 70595, MedGen C1843851, MONDO:0011835, OMIM 607459.

Submission:

Laboratory of Inherited Metabolic Diseases, Research centre for medical genetics
Classification: Likely pathogenic for Sensory ataxic neuropathy, dysarthria, and ophthalmoparesis. Last evaluated: 2019-07-17. Review status: criteria provided, single submitter. Criteria: ACMG Guidelines, 2015. Collection method: clinical testing. Allele origin: germline. Inheritance: Autosomal recessive inheritance. Affected: yes.
Comment: found in compound heterozygous with c.2243G>C (p.W748S)

NM_002693.3(POLG):c.2792T>G (p.Leu931Arg)

Gene: POLG (DNA polymerase gamma, catalytic subunit; minus strand). Cytogenetic location: 15q26.1.
Variant type: single nucleotide variant.
Coding change: c.2792T>G on transcript NM_002693.3 (MANE Select); coding-DNA position 2792, T replaced by G.
Protein change: p.Leu931Arg; replaces leucine 931 with arginine.
Molecular consequence: missense variant.
Genome position (GRCh38, 1-based): chr15:89,320,955, A>C on the plus strand (T>G on the coding strand, the complement: POLG is on the minus strand). VCF-style: chr15-89320955-A-C. GRCh37 (hg19) VCF-style: chr15-89864186-A-C.
Other names: c.2792T>G, p.Leu931Arg (NM_001126131.2); short protein forms L931R.
Identifiers: ClinVar variation 694424 (VCV000694424.1), dbSNP rs1484810169, ClinGen allele CA393753097.